The following is an entry in ClinVar:

NM_000179.3(MSH6):c.3842_3877dup (p.Glu1281_Gly1292dup)

Gene: MSH6 (mutS homolog 6; plus strand). Cytogenetic location: 2p16.3.
Variant type: Duplication.
Coding change: c.3842_3877dup on transcript NM_000179.3 (MANE Select); coding-DNA positions 3842 to 3877, 36 bases duplicated.
Protein change: p.Glu1281_Gly1292dup.
Molecular consequence: inframe insertion.
Genome position (GRCh38, 1-based): chr2:47,806,492-47,806,527, 36 bases duplicated; duplicating any 36 consecutive bases within chr2:47,806,491-47,806,527 gives the same sequence; the c. name uses the placement nearest the transcript's 3' end. GRCh37 (hg19): chr2:48,033,631-48,033,666.
Other names: c.3452_3487dup, p.Glu1151_Gly1162dup (NM_001281492.2); c.2936_2971dup, p.Glu979_Gly990dup (NM_001281493.2, NM_001281494.2).
Identifiers: ClinVar variation 941798 (VCV000941798.10), dbSNP rs1670100146, ClinGen allele CA1139656980.

ClinVar aggregate classification (germline): Uncertain significance (1 of 4 stars; one submission).

Conditions:
Hereditary nonpolyposis colorectal neoplasms. Identifiers: MedGen C0009405, MeSH D003123.

Submission:

Labcorp Genetics (formerly Invitae), Labcorp
Classification: Uncertain significance for Hereditary nonpolyposis colorectal neoplasms. Last evaluated: 2023-08-31. Review status: criteria provided, single submitter. Criteria: Invitae Variant Classification Sherloc (09022015). Collection method: clinical testing. Allele origin: germline.
Comment: In summary, the available evidence is currently insufficient to determine the role of this variant in disease. Therefore, it has been classified as a Variant of Uncertain Significance. Experimental studies and prediction algorithms are not available or were not evaluated, and the functional significance of this variant is currently unknown. ClinVar contains an entry for this variant (Variation ID: 941798). This variant has not been reported in the literature in individuals affected with MSH6-related conditions. This variant is not present in population databases (gnomAD no frequency). This variant, c.3842_3877dup, results in the insertion of 12 amino acid(s) of the MSH6 protein (p.Glu1281_Gly1292dup), but otherwise preserves the integrity of the reading frame.